The following is an entry in ClinVar:

ClinVar aggregate classification (germline): Likely benign. Review status: criteria provided, multiple submitters, no conflicts (2 of 4 stars). 2 submissions from 2 submitters: Likely benign (2). Last evaluated 2026-03-01.

gnomAD v4.1: 28 of 1,614,094 alleles (0.0017%); highest among the groups gnomAD compares: Admixed American, 0.0033%; no homozygotes.

Submissions (2):

CeGaT Center for Human Genetics Tuebingen
Classification: Likely benign. Last evaluated: 2026-03-01. Review status: criteria provided, single submitter. Criteria: CeGaT Center For Human Genetics Tuebingen Variant Classification Criteria Version 2. Collection method: clinical testing. Allele origin: germline. Affected: yes. Observed: 1 variant allele.
Comment: XYLT1: BP4, BP7

Blueprint Genetics
Classification: Likely benign. Last evaluated: 2024-11-23. Review status: criteria provided, single submitter. Criteria: ACMG Guidelines, 2015. Collection method: clinical testing. Allele origin: germline.

NM_022166.4(XYLT1):c.1005C>T (p.His335=)

Gene: XYLT1 (xylosyltransferase 1; minus strand). Cytogenetic location: 16p12.3.
Variant type: single nucleotide variant.
Coding change: c.1005C>T on transcript NM_022166.4 (MANE Select); coding-DNA position 1005, C replaced by T.
Protein change: p.His335=; no amino-acid change (histidine 335 retained).
Molecular consequence: synonymous variant.
Genome position (GRCh38, 1-based): chr16:17,200,563, G>A on the plus strand (C>T on the coding strand, the complement: XYLT1 is on the minus strand). VCF-style: chr16-17200563-G-A. GRCh37 (hg19) VCF-style: chr16-17294420-G-A.
Identifiers: ClinVar variation 4821049 (VCV004821049.5).